The following is an entry in ClinVar:

NM_004415.4(DSP):c.201C>A (p.Asn67Lys)

Gene: DSP (desmoplakin; plus strand). Cytogenetic location: 6p24.3.
Variant type: single nucleotide variant.
Coding change: c.201C>A on transcript NM_004415.4 (MANE Select); coding-DNA position 201, C replaced by A.
Protein change: p.Asn67Lys; replaces asparagine 67 with lysine.
Molecular consequence: missense variant.
Genome position (GRCh38, 1-based): chr6:7,555,748, C>A. VCF-style: chr6-7555748-C-A. GRCh37 (hg19) VCF-style: chr6-7555981-C-A.
Other names: c.201C>A, p.Asn67Lys (NM_001008844.3, NM_001319034.2, NM_001406591.1); short protein forms N67K.
Identifiers: ClinVar variation 2932872 (VCV002932872.3), dbSNP rs774432635, ClinGen allele CA133948003.

ClinVar aggregate classification (germline): Uncertain significance (1 of 4 stars; one submission).

Conditions:
Arrhythmogenic cardiomyopathy with wooly hair and keratoderma. Also called: PALMOPLANTAR KERATODERMA WITH LEFT VENTRICULAR CARDIOMYOPATHY AND WOOLLY HAIR; Carvajal syndrome; Arrhythmogenic cardiomyopathy with woolly hair and keratoderma; Dilated cardiomyopathy with woolly hair and keratoderma. Identifiers: Orphanet 65282, MedGen C1854063, MONDO:0011581, OMIM 605676.
Arrhythmogenic right ventricular dysplasia 8 (ARVD8). Also called: Arrhythmogenic Right Ventricular Dysplasia/Cardiomyopathy 8; ARRHYTHMOGENIC RIGHT VENTRICULAR DYSPLASIA, FAMILIAL, 8; ARRHYTHMOGENIC RIGHT VENTRICULAR CARDIOMYOPATHY 8. Identifiers: MedGen C1843896, MONDO:0011831, OMIM 607450.

gnomAD v4.1: 1 of 1,614,148 alleles (0.000062%); highest among the groups gnomAD compares: African/African-American, 0.0013%; no homozygotes.

Submission:

Labcorp Genetics (formerly Invitae), Labcorp
Classification: Uncertain significance for Arrhythmogenic cardiomyopathy with wooly hair and keratoderma; Arrhythmogenic right ventricular dysplasia 8. Last evaluated: 2025-12-20. Review status: criteria provided, single submitter. Criteria: Invitae Variant Classification Sherloc (09022015). Collection method: clinical testing. Allele origin: germline.
Comment: This sequence change replaces asparagine, which is neutral and polar, with lysine, which is basic and polar, at codon 67 of the DSP protein (p.Asn67Lys). This variant is not present in population databases (gnomAD no frequency). This variant has not been reported in the literature in individuals affected with DSP-related conditions. ClinVar contains an entry for this variant (Variation ID: 2932872). An algorithm developed to predict the effect of missense changes on protein structure and function (PolyPhen-2) suggests that this variant is likely to be tolerated. In summary, the available evidence is currently insufficient to determine the role of this variant in disease. Therefore, it has been classified as a Variant of Uncertain Significance.